The following is an entry in ClinVar:

ClinVar aggregate classification (germline): Benign (1 of 4 stars; one submission).

Conditions:
CHIME syndrome (CHIME). Also called: COLOBOMA, CONGENITAL HEART DISEASE, ICHTHYOSIFORM DERMATOSIS, IMPAIRED INTELLECTUAL DEVELOPMENT, AND EAR ANOMALIES SYNDROME; GLYCOSYLPHOSPHATIDYLINOSITOL BIOSYNTHESIS DEFECT 5. Identifiers: Orphanet 3474, MedGen C1848392, MONDO:0010221, OMIM 280000.

Allele frequency attached by ClinVar (database versions not stated): gnomAD exomes 0.00099; gnomAD 0.00650 and 0.00706; 1000 Genomes Project 0.00679; TOPMed 0.00749; 1000 Genomes Project 30x 0.00750.
gnomAD v4.1: 1,023 of 198,044 alleles (0.52%); highest among the groups gnomAD compares: African/African-American, 2.2%; 10 homozygotes.

Submission:

Illumina Laboratory Services, Illumina
Classification: Benign for CHIME syndrome. Last evaluated: 2018-01-13. Review status: criteria provided, single submitter. Criteria: ICSL Variant Classification Criteria 13 December 2019. Collection method: clinical testing. Allele origin: germline.
Comment: This variant was observed in the ICSL laboratory as part of a predisposition screen in an ostensibly healthy population. It had not been previously curated by ICSL or reported in the Human Gene Mutation Database (HGMD: prior to June 1st, 2018), and was therefore a candidate for classification through an automated scoring system. Utilizing variant allele frequency, disease prevalence and penetrance estimates, and inheritance mode, an automated score was calculated to assess if this variant is too frequent to cause the disease. Based on the score and internal cut-off values, a variant classified as benign is not then subjected to further curation. The score for this variant resulted in a classification of benign for this disease.

NM_004278.4(PIGL):c.*364G>A

Gene: PIGL (phosphatidylinositol glycan anchor biosynthesis class L; plus strand). Cytogenetic location: 17p11.2.
Variant type: single nucleotide variant.
Coding change: c.*364G>A on transcript NM_004278.4 (MANE Select); 364 bases downstream of the stop codon, G replaced by A.
Molecular consequence: 3 prime UTR variant.
Genome position (GRCh38, 1-based): chr17:16,326,262, G>A. VCF-style: chr17-16326262-G-A. GRCh37 (hg19) VCF-style: chr17-16229576-G-A.
Identifiers: ClinVar variation 890071 (VCV000890071.4), dbSNP rs114659268, ClinGen allele CA288216593.